The following is an entry in ClinVar:

ClinVar aggregate classification (germline): Pathogenic/Likely pathogenic. Review status: criteria provided, multiple submitters, no conflicts (2 of 4 stars). 2 submissions from 2 submitters: Pathogenic (1); Likely pathogenic (1). Last evaluated 2025-08-04.

Conditions:
FOLR1-related disorder. Also called: FOLR1-related condition.
Cerebral folate transport deficiency. Also called: NEURODEGENERATION DUE TO CEREBRAL FOLATE TRANSPORT DEFICIENCY; FOLR1-Related Cerebral Folate Transport Deficiency; FOLATE RECEPTOR DEFICIENCY; Cerebral folate deficiency syndrome; Neurodegenerative syndrome due to cerebral folate transport deficiency. Identifiers: Orphanet 217382, MedGen C2751584, MONDO:0013110, OMIM 613068. Disease mechanism: loss of function.

Submissions (2):

PreventionGenetics, part of Exact Sciences
Classification: Pathogenic for FOLR1-related condition. Last evaluated: 2025-08-04. Review status: criteria provided, single submitter. Criteria: ACMG Guidelines, 2015. Collection method: clinical testing. Allele origin: germline.
Comment: The FOLR1 c.466dupT variant is predicted to result in a frameshift and premature protein termination (p.Trp156Leufs*12). This variant has been reported in an individual with cerebral folate deficiency syndrome (CFDS) (Rahma et al. 2025. PubMed ID: 40643761). This variant has not been reported in a large population database (gnomAD), indicating this variant is rare. Frameshift variants in FOLR1 are expected to be pathogenic. This variant is interpreted as pathogenic.

3billion
Classification: Likely pathogenic for Cerebral folate transport deficiency. Last evaluated: 2024-02-22. Review status: criteria provided, single submitter. Criteria: ACMG Guidelines, 2015. Collection method: clinical testing. Allele origin: germline. Affected: yes.
Comment: The variant is not observed in the gnomAD v2.1.1 dataset. Predicted Consequence/Location: Frameshift: predicted to result in a loss or disruption of normal protein function through protein truncation. The predicted truncated protein may be shortened by more than 10%. Therefore, this variant is classified as Likely pathogenic according to the recommendation of ACMG/AMP guideline.

NM_016729.3(FOLR1):c.466dup (p.Trp156fs)

Genes: FOLR1 (folate receptor alpha; plus strand), FOLR1-AS1 (FOLR1 antisense RNA 1; minus strand). Cytogenetic location: 11q13.4.
Variant type: Duplication.
Coding change: c.466dup on transcript NM_016729.3 (MANE Select); coding-DNA position 466, one base duplicated (T; older notation c.466dupT).
Protein change: p.Trp156fs; shifts the reading frame from tryptophan 156.
Molecular consequence: frameshift variant.
Genome position (GRCh38, 1-based): chr11:72,195,720, T duplicated. VCF-style (leftmost placement, unchanged base first): chr11-72195719-C-CT. GRCh37 (hg19) VCF-style: chr11-71906763-C-CT.
Other names: c.466dupT (NM_016724.2); c.466dup, p.Trp156fs (NM_000802.3, NM_016724.3, NM_016725.3); short protein forms W156fs.
Identifiers: ClinVar variation 3776059 (VCV003776059.2).